The following is an entry in ClinVar:

NM_000548.5(TSC2):c.2525del (p.Pro842fs)

Gene: TSC2 (TSC complex subunit 2; plus strand). Cytogenetic location: 16p13.3.
Variant type: Deletion.
Coding change: c.2525del on transcript NM_000548.5 (MANE Select); coding-DNA position 2525, one base deleted (C; older notation c.2525delC).
Protein change: p.Pro842fs; shifts the reading frame from proline 842.
Molecular consequence: frameshift variant.
Genome position (GRCh38, 1-based): chr16:2,074,369, C deleted; the last of 3 consecutive C bases (chr16:2,074,367-2,074,369); deleting any one gives the same sequence. VCF-style (leftmost placement, unchanged base first): chr16-2074366-TC-T. GRCh37 (hg19) VCF-style: chr16-2124367-TC-T.
Other names: c.2525del, p.Pro842fs (NM_001077183.3, NM_001114382.3, NM_001363528.2 and 3 more transcripts); c.2414del, p.Pro805fs (NM_001318827.2); c.2378del, p.Pro793fs (NM_001318829.2); c.1925del, p.Pro642fs (NM_001318831.2); c.2558del, p.Pro853fs (NM_001318832.2); short protein forms P842fs, P853fs, P805fs, P642fs, P793fs.
Identifiers: ClinVar variation 49607 (VCV000049607.8), dbSNP rs137854375, ClinGen allele CA017553.

ClinVar aggregate classification (germline): Pathogenic. Review status: criteria provided, single submitter (1 of 4 stars). 2 submissions from 2 submitters: Pathogenic (1). 1 of the submissions does not count toward it. Last evaluated 2023-12-06.

Conditions:
Tuberous sclerosis syndrome (TSC). Also called: Tuberous Sclerosis Complex; Tuberous sclerosis. Identifiers: Orphanet 805, MedGen C0041341, MONDO:0001734.
Tuberous sclerosis 2 (TSC2). Identifiers: Orphanet 805, MedGen C1860707, MONDO:0013199, OMIM 613254.

Submissions (2):

Labcorp Genetics (formerly Invitae), Labcorp
Classification: Pathogenic for Tuberous sclerosis 2. Last evaluated: 2023-12-06. Review status: criteria provided, single submitter. Criteria: Invitae Variant Classification Sherloc (09022015). Collection method: clinical testing. Allele origin: germline.
Comment: This sequence change creates a premature translational stop signal (p.Pro842Hisfs*52) in the TSC2 gene. It is expected to result in an absent or disrupted protein product. Loss-of-function variants in TSC2 are known to be pathogenic (PMID: 10205261, 17304050). This variant is not present in population databases (gnomAD no frequency). This premature translational stop signal has been observed in individual(s) with clinical features of TSC2-related conditions (PMID: 21520333). ClinVar contains an entry for this variant (Variation ID: 49607). For these reasons, this variant has been classified as Pathogenic.

Tuberous sclerosis database (TSC2)
No classification provided. Condition: TSC. Review status: no classification provided. Criteria: Tuberous Sclerosis Database Assertion Criteria 2015. Collection method: curation. Allele origin: germline. Affected: yes. Not counted in ClinVar's aggregate classification.

Literature cited by the submitters: PubMed 10205261 (cited by Labcorp Genetics (formerly Invitae), Labcorp); PubMed 17304050 (cited by Labcorp Genetics (formerly Invitae), Labcorp); PubMed 21520333 (cited by Labcorp Genetics (formerly Invitae), Labcorp).